The following is an entry in ClinVar:

NM_000277.3(PAH):c.230A>G (p.Tyr77Cys)

Gene: PAH (phenylalanine hydroxylase; minus strand). Cytogenetic location: 12q23.2.
Variant type: single nucleotide variant.
Coding change: c.230A>G on transcript NM_000277.3 (MANE Select); coding-DNA position 230, A replaced by G.
Protein change: p.Tyr77Cys; replaces tyrosine 77 with cysteine.
Molecular consequence: missense variant.
Genome position (GRCh38, 1-based): chr12:102,894,857, T>C on the plus strand (A>G on the coding strand, the complement: PAH is on the minus strand). VCF-style: chr12-102894857-T-C. GRCh37 (hg19) VCF-style: chr12-103288635-T-C.
Other names: c.230A>G, p.Tyr77Cys (NM_001354304.2); short protein forms Y77C.
Identifiers: ClinVar variation 4751439 (VCV004751439.1).

ClinVar aggregate classification (germline): Uncertain significance (1 of 4 stars; one submission).

Conditions:
Phenylketonuria (PKU). Also called: FOLLING DISEASE; OLIGOPHRENIA PHENYLPYRUVICA; Phenylketonurias; Phenylketonuria (PKU). Identifiers: Orphanet 716, MedGen C0031485, MONDO:0009861, OMIM 261600. Disease mechanism: loss of function.

gnomAD v4.1: 1 of 1,613,912 alleles (0.000062%); highest among the groups gnomAD compares: South Asian, 0.0011%; no homozygotes.

Submission:

Labcorp Genetics (formerly Invitae), Labcorp
Classification: Uncertain significance for Phenylketonuria. Last evaluated: 2025-03-05. Review status: criteria provided, single submitter. Criteria: Invitae Variant Classification Sherloc (09022015). Collection method: clinical testing. Allele origin: germline.
Comment: This sequence change replaces tyrosine, which is neutral and polar, with cysteine, which is neutral and slightly polar, at codon 77 of the PAH protein (p.Tyr77Cys). This variant is not present in population databases (gnomAD no frequency). This variant has not been reported in the literature in individuals affected with PAH-related conditions. Invitae Evidence Modeling of protein sequence and biophysical properties (such as structural, functional, and spatial information, amino acid conservation, physicochemical variation, residue mobility, and thermodynamic stability) indicates that this missense variant is not expected to disrupt PAH protein function with a negative predictive value of 80%. In summary, the available evidence is currently insufficient to determine the role of this variant in disease. Therefore, it has been classified as a Variant of Uncertain Significance.